The following is an entry in ClinVar:

NM_003890.3(FCGBP):c.1010C>T (p.Pro337Leu)

Gene: FCGBP (Fc gamma binding protein; minus strand). Cytogenetic location: 19q13.2.
Variant type: single nucleotide variant.
Coding change: c.1010C>T on transcript NM_003890.3 (MANE Select); coding-DNA position 1010, C replaced by T.
Protein change: p.Pro337Leu; replaces proline 337 with leucine.
Molecular consequence: missense variant.
Genome position (GRCh38, 1-based): chr19:39,927,352, G>A on the plus strand (C>T on the coding strand, the complement: FCGBP is on the minus strand). VCF-style: chr19-39927352-G-A. GRCh37 (hg19) VCF-style: chr19-40433259-G-A.
Other names: short protein forms P337L.
Identifiers: ClinVar variation 3093935 (VCV003093935.2), dbSNP rs753051776, ClinGen allele CA9438127.

ClinVar aggregate classification (germline): Uncertain significance (1 of 4 stars; one submission).

Allele frequency attached by ClinVar (database versions not stated): TOPMed below 0.00001; ExAC 0.00001.

Submission:

Ambry Genetics
Classification: Uncertain significance. Last evaluated: 2026-06-25. Review status: criteria provided, single submitter. Criteria: Ambry Variant Classification Scheme 2023. Collection method: clinical testing. Allele origin: germline.
Comment: The c.1010C>T (p.P337L) alteration is located in exon 2 (coding exon 2) of the FCGBP gene. This alteration results from a C to T substitution at nucleotide position 1010, causing the proline (P) at amino acid position 337 to be replaced by a leucine (L). Based on data from gnomAD, the T allele has an overall frequency of 0.002% (5/251208) total alleles studied. The highest observed frequency was 0.016% (5/30606) of South Asian alleles. Based on insufficient or conflicting evidence, the clinical significance of this alteration remains unclear.